The following is an entry in ClinVar:

ClinVar aggregate classification (germline): Uncertain significance. Review status: criteria provided, multiple submitters, no conflicts (2 of 4 stars). 5 submissions from 5 submitters: Uncertain significance (5). Last evaluated 2026-06-18.

Conditions:
Meckel syndrome, type 4 (MKS4). Also called: MECKEL-GRUBER SYNDROME, TYPE 4. Identifiers: Orphanet 564, MedGen C1970161, MONDO:0012626, OMIM 611134.
Bardet-Biedl syndrome 14 (BBS14). Identifiers: Orphanet 110, MedGen C2673874, MONDO:0014442, OMIM 615991.
Senior-Loken syndrome 6 (SLSN6). Identifiers: Orphanet 3156, MedGen C1857779, MONDO:0012433, OMIM 610189.
Joubert syndrome 5 (JBTS5). Identifiers: Orphanet 2318, MedGen C1857780, MONDO:0012432, OMIM 610188.
Leber congenital amaurosis 10 (LCA10). Identifiers: Orphanet 65, MedGen C1857821, MONDO:0012723, OMIM 611755.
CEP290-related disorder. Also called: CEP290-related condition; CEP290-related disorders. Identifiers: MedGen CN239314.
Inborn genetic diseases. Identifiers: MedGen C0950123, MeSH D030342.
Joubert syndrome. Also called: Familial aplasia of the vermis; JOUBERT-BOLTSHAUSER SYNDROME. Identifiers: Orphanet 475, MedGen C5979921, MONDO:0018772.
Nephronophthisis. Also called: Juvenile Nephronophthisis. Identifiers: Orphanet 655, MedGen C0687120, MONDO:0019005, HP:0000090.
Meckel-Gruber syndrome. Also called: Dysencephalia splachnocystica; GRUBER SYNDROME; DYSENCEPHALIA SPLANCHNOCYSTICA. Identifiers: Orphanet 564, MedGen C0265215, MONDO:0018921.

Allele frequency attached by ClinVar (database versions not stated): gnomAD 0.00001; gnomAD exomes 0.00001.
gnomAD v4.1: 8 of 1,544,434 alleles (0.00052%); highest among the groups gnomAD compares: South Asian, 0.01%; no homozygotes.

Submissions (5):

PreventionGenetics, part of Exact Sciences
Classification: Uncertain significance for CEP290-related condition. Last evaluated: 2026-06-18. Review status: criteria provided, single submitter. Criteria: ACMG Guidelines, 2015. Collection method: clinical testing. Allele origin: germline.
Comment: The CEP290 c.6460G>A variant is predicted to result in the amino acid substitution p.Ala2154Thr. To our knowledge, this variant has not been reported in the literature. This variant is reported in 0.0051% of alleles in individuals of South Asian descent in gnomAD. At this time, the clinical significance of this variant is uncertain due to the absence of conclusive functional and genetic evidence.

Fulgent Genetics
Classification: Uncertain significance for Joubert syndrome 5; Senior-Loken syndrome 6; Meckel syndrome, type 4; Leber congenital amaurosis 10; Bardet-Biedl syndrome 14. Last evaluated: 2024-05-18. Review status: criteria provided, single submitter. Criteria: ACMG Guidelines, 2015. Collection method: clinical testing. Allele origin: germline.

Blueprint Genetics
Classification: Uncertain significance. Last evaluated: 2022-04-13. Review status: criteria provided, single submitter. Criteria: ACMG Guidelines, 2015. Collection method: clinical testing. Allele origin: germline.

Ambry Genetics
Classification: Uncertain significance for Inborn genetic diseases. Last evaluated: 2021-11-09. Review status: criteria provided, single submitter. Criteria: Ambry Variant Classification Scheme 2023. Collection method: clinical testing. Allele origin: germline.

Labcorp Genetics (formerly Invitae), Labcorp
Classification: Uncertain significance for Joubert syndrome; Meckel-Gruber syndrome; Nephronophthisis. Last evaluated: 2021-08-28. Review status: criteria provided, single submitter. Criteria: Invitae Variant Classification Sherloc (09022015). Collection method: clinical testing. Allele origin: germline.
Comment: This sequence change replaces alanine with threonine at codon 2154 of the CEP290 protein (p.Ala2154Thr). The alanine residue is moderately conserved and there is a small physicochemical difference between alanine and threonine. This variant is not present in population databases (ExAC no frequency). This variant has not been reported in the literature in individuals affected with CEP290-related conditions. Algorithms developed to predict the effect of missense changes on protein structure and function are either unavailable or do not agree on the potential impact of this missense change (SIFT: "Deleterious"; PolyPhen-2: "Benign"; Align-GVGD: "Class C0"). In summary, the available evidence is currently insufficient to determine the role of this variant in disease. Therefore, it has been classified as a Variant of Uncertain Significance.

NM_025114.4(CEP290):c.6460G>A (p.Ala2154Thr)

Gene: CEP290 (centrosomal protein 290; minus strand). Cytogenetic location: 12q21.32.
Variant type: single nucleotide variant.
Coding change: c.6460G>A on transcript NM_025114.4 (MANE Select); coding-DNA position 6460, G replaced by A.
Protein change: p.Ala2154Thr; replaces alanine 2154 with threonine.
Molecular consequence: missense variant.
Genome position (GRCh38, 1-based): chr12:88,060,892, C>T on the plus strand (G>A on the coding strand, the complement: CEP290 is on the minus strand). VCF-style: chr12-88060892-C-T. GRCh37 (hg19) VCF-style: chr12-88454669-C-T.
Other names: c.6460G>A (NM_025114.3); short protein forms A2154T.
Identifiers: ClinVar variation 1357126 (VCV001357126.9), dbSNP rs1319955144, ClinGen allele CA385978615.
Genomic context (GRCh38, chr12:88,060,892, plus strand): 5'-TCAATTTTTCATTTTCCTGCTCAATATTAGCCATTTTTTCACTAGTCAATATTCCTGATG[C>T]TTTTTTCAACTGTTCATTTTCTCTCTGGACTTTTTCAACTACTTTTTTCATTAAACCAAT-3'
Protein context (NP_079390.3, residues 2144-2164): VQRENEQLKK[Ala2154Thr]SGILTSEKMA